The following is an entry in ClinVar:

ClinVar aggregate classification (germline): Likely benign. Review status: criteria provided, multiple submitters, no conflicts (2 of 4 stars). 4 submissions from 4 submitters: Likely benign (4). Last evaluated 2025-03-17.

Conditions:
CAVIN4-related disorder. Also called: CAVIN4-related condition.

Allele frequency attached by ClinVar (database versions not stated): 1000 Genomes Project 30x 0.00016; 1000 Genomes Project 0.00020; ESP Exome Variant Server 0.00031; TOPMed 0.00033; gnomAD 0.00035; ExAC 0.00039.

Submissions (4):

PreventionGenetics, part of Exact Sciences
Classification: Likely benign for CAVIN4-related condition. Last evaluated: 2025-03-17. Review status: criteria provided, single submitter. Criteria: ACMG Guidelines, 2015. Collection method: clinical testing. Allele origin: germline.
Comment: This variant is classified as likely benign based on ACMG/AMP sequence variant interpretation guidelines (Richards et al. 2015 PMID: 25741868, with internal and published modifications).

GeneDx
Classification: Likely benign. Last evaluated: 2020-11-03. Review status: criteria provided, single submitter. Criteria: GeneDx Variant Classification Process June 2021. Collection method: clinical testing. Allele origin: germline. Affected: yes.
Comment: This variant is associated with the following publications: (PMID: 21642240)

Laboratory for Molecular Medicine, Mass General Brigham Personalized Medicine
Classification: Likely benign. Last evaluated: 2015-07-30. Review status: criteria provided, single submitter. Criteria: LMM Criteria. Collection method: clinical testing. Allele origin: germline. Observed: 1 variant allele.
Comment: p.Ser173Ser in exon 2 of MURC: This variant is not expected to have clinical sig nificance because it does not alter an amino acid residue and is not located wit hin the splice consensus sequence. It has been identified in 46/66672 European c hromosomes by the Exome Aggregation Consortium (ExAC .org; dbSNP rs145794010).

Breakthrough Genomics
Classification: Likely benign. Review status: criteria provided, single submitter. Criteria: ACMG Guidelines, 2015. Collection method: not provided. Allele origin: germline. Inheritance: Unknown mechanism. Affected: yes.

NM_001018116.2(CAVIN4):c.519G>C (p.Ser173=)

Gene: CAVIN4 (caveolae associated protein 4; plus strand). Cytogenetic location: 9q31.1.
Variant type: single nucleotide variant.
Coding change: c.519G>C on transcript NM_001018116.2 (MANE Select); coding-DNA position 519, G replaced by C.
Protein change: p.Ser173=; no amino-acid change (serine 173 retained).
Molecular consequence: synonymous variant.
Genome position (GRCh38, 1-based): chr9:100,585,875, G>C. VCF-style: chr9-100585875-G-C. GRCh37 (hg19) VCF-style: chr9-103348157-G-C.
Identifiers: ClinVar variation 227558 (VCV000227558.9), dbSNP rs145794010, ClinGen allele CA5160099.